The following is an entry in ClinVar:

ClinVar aggregate classification (germline): Benign/Likely benign. Review status: criteria provided, multiple submitters, no conflicts (2 of 4 stars). 3 submissions from 3 submitters: Benign (1); Likely benign (1). 1 of the submissions does not count toward it. Last evaluated 2026-01-24.

Conditions:
MYO18B-related disorder. Also called: MYO18B-related condition.

Allele frequency attached by ClinVar (database versions not stated): gnomAD exomes 0.00043; ExAC 0.00111; 1000 Genomes Project 0.00120; 1000 Genomes Project 30x 0.00125; ESP Exome Variant Server 0.00158; TOPMed 0.00187; gnomAD 0.00188.
gnomAD v4.1: 533 of 1,579,644 alleles (0.034%); highest among the groups gnomAD compares: African/African-American, 0.65%; 5 homozygotes.

Submissions (3):

Labcorp Genetics (formerly Invitae), Labcorp
Classification: Benign. Last evaluated: 2026-01-24. Review status: criteria provided, single submitter. Criteria: Invitae Variant Classification Sherloc (09022015). Collection method: clinical testing. Allele origin: germline.

Blueprint Genetics
Classification: Likely benign. Last evaluated: 2024-08-20. Review status: criteria provided, single submitter. Criteria: ACMG Guidelines, 2015. Collection method: clinical testing. Allele origin: germline.

PreventionGenetics, part of Exact Sciences
Classification: Likely benign for MYO18B-related condition. Last evaluated: 2019-06-11. Review status: no assertion criteria provided. Collection method: clinical testing. Allele origin: germline. Not counted in ClinVar's aggregate classification.
Comment: This variant is classified as likely benign based on ACMG/AMP sequence variant interpretation guidelines (Richards et al. 2015 PMID: 25741868, with internal and published modifications).

NM_032608.7(MYO18B):c.4247G>A (p.Arg1416Gln)

Gene: MYO18B (myosin XVIIIB; plus strand). Cytogenetic location: 22q12.1.
Variant type: single nucleotide variant.
Coding change: c.4247G>A on transcript NM_032608.7 (MANE Select); coding-DNA position 4247, G replaced by A.
Protein change: p.Arg1416Gln; replaces arginine 1416 with glutamine.
Molecular consequence: missense variant.
Genome position (GRCh38, 1-based): chr22:25,877,981, G>A. VCF-style: chr22-25877981-G-A. GRCh37 (hg19) VCF-style: chr22-26273948-G-A.
Other names: c.4250G>A, p.Arg1417Gln (NM_001318245.2); short protein forms R1417Q, R1416Q.
Identifiers: ClinVar variation 727940 (VCV000727940.13), dbSNP rs182117304, ClinGen allele CA10160821.